The following is an entry in ClinVar:

ClinVar aggregate classification (germline): Uncertain significance (1 of 4 stars; one submission).

Conditions:
Inborn genetic diseases. Identifiers: MedGen C0950123, MeSH D030342.

Allele frequency attached by ClinVar (database versions not stated): TOPMed below 0.00001.

Submission:

Ambry Genetics
Classification: Uncertain significance for Inborn genetic diseases. Last evaluated: 2023-11-14. Review status: criteria provided, single submitter. Criteria: Ambry Variant Classification Scheme 2023. Collection method: clinical testing. Allele origin: germline.
Comment: The c.3674A>G (p.H1225R) alteration is located in exon 23 (coding exon 23) of the CUX1 gene. This alteration results from a A to G substitution at nucleotide position 3674, causing the histidine (H) at amino acid position 1225 to be replaced by an arginine (R). This variant was not reported in population-based cohorts in the Genome Aggregation Database (gnomAD). This amino acid position is well conserved in available vertebrate species. This alteration is predicted to be tolerated by in silico analysis. Based on insufficient or conflicting evidence, the clinical significance of this alteration remains unclear.

NM_181552.4(CUX1):c.3641A>G (p.His1214Arg)

Gene: CUX1 (cut like homeobox 1; plus strand). Cytogenetic location: 7q22.1.
Variant type: single nucleotide variant.
Coding change: c.3641A>G on transcript NM_181552.4 (MANE Select); coding-DNA position 3641, A replaced by G.
Protein change: p.His1214Arg; replaces histidine 1214 with arginine.
Molecular consequence: missense variant. On other transcripts: intron variant (5).
Genome position (GRCh38, 1-based): chr7:102,239,338, A>G. VCF-style: chr7-102239338-A-G. GRCh37 (hg19) VCF-style: chr7-101882618-A-G.
Other names: c.3674A>G, p.His1225Arg (NM_001202543.2); c.1256-34028A>G (NM_001913.5); c.1139-34028A>G (NM_001202546.3); c.1250-34028A>G (NM_181500.4); c.1118-34028A>G (NM_001202545.3); c.1208-34028A>G (NM_001202544.3); short protein forms H1225R, H1214R.
Identifiers: ClinVar variation 3079046 (VCV003079046.1), dbSNP rs1316337379, ClinGen allele CA368664791.